The following is an entry in ClinVar:

NM_000051.4(ATM):c.7079A>G (p.Tyr2360Cys)

Genes: ATM (ATM serine/threonine kinase; plus strand), C11orf65 (chromosome 11 open reading frame 65; minus strand). Cytogenetic location: 11q22.3.
Variant type: single nucleotide variant.
Coding change: c.7079A>G on transcript NM_000051.4 (MANE Select); coding-DNA position 7079, A replaced by G.
Protein change: p.Tyr2360Cys; replaces tyrosine 2360 with cysteine.
Molecular consequence: missense variant. On other transcripts: intron variant (2).
Genome position (GRCh38, 1-based): chr11:108,327,748, A>G. VCF-style: chr11-108327748-A-G. GRCh37 (hg19) VCF-style: chr11-108198475-A-G.
Other names: c.7079A>G, p.Tyr2360Cys (NM_001351834.2); c.641-18677T>C (NM_001330368.2); c.*38+7472T>C (NM_001351110.2); short protein forms Y2360C.
Identifiers: ClinVar variation 481357 (VCV000481357.15), dbSNP rs1555121141, ClinGen allele CA382559156.

ClinVar aggregate classification (germline): Uncertain significance. Review status: criteria provided, multiple submitters, no conflicts (2 of 4 stars). 3 submissions from 3 submitters: Uncertain significance (3). Last evaluated 2023-12-05.

Conditions:
Hereditary cancer-predisposing syndrome. Also called: Neoplastic Syndromes, Hereditary; Hereditary Cancer Syndrome; Tumor predisposition; Hereditary neoplastic syndrome. Identifiers: Orphanet 140162, MedGen C0027672, MeSH D009386, MONDO:0015356.
Ataxia-telangiectasia syndrome (AT). Also called: LOUIS-BAR SYNDROME; Cerebello-oculocutaneous telangiectasia; Immunodeficiency with ataxia telangiectasia; Ataxia-telangiectasia, complementation group D; AT, COMPLEMENTATION GROUP C; Ataxia-telangiectasia, complementation group E. Identifiers: Orphanet 100, MedGen C0004135, MONDO:0008840, OMIM 208900.

Submissions (3):

Color Diagnostics, LLC DBA Color Health
Classification: Uncertain significance for Hereditary cancer-predisposing syndrome. Last evaluated: 2023-12-05. Review status: criteria provided, single submitter. Criteria: ACMG Guidelines, 2015. Collection method: clinical testing. Allele origin: germline.
Comment: This missense variant replaces tyrosine with cysteine at codon 2360 of the ATM protein. Computational prediction suggests that this variant may have deleterious impact on protein structure and function (internally defined REVEL score threshold >= 0.7, PMID: 27666373). To our knowledge, functional studies have not been reported for this variant. This variant has not been reported in individuals affected with ATM-related disorders in the literature. This variant has not been identified in the general population by the Genome Aggregation Database (gnomAD). The available evidence is insufficient to determine the role of this variant in disease conclusively. Therefore, this variant is classified as a Variant of Uncertain Significance.

Labcorp Genetics (formerly Invitae), Labcorp
Classification: Uncertain significance for Ataxia-telangiectasia syndrome. Last evaluated: 2023-08-20. Review status: criteria provided, single submitter. Criteria: Invitae Variant Classification Sherloc (09022015). Collection method: clinical testing. Allele origin: germline.
Comment: This sequence change replaces tyrosine, which is neutral and polar, with cysteine, which is neutral and slightly polar, at codon 2360 of the ATM protein (p.Tyr2360Cys). This variant is not present in population databases (gnomAD no frequency). This variant has not been reported in the literature in individuals affected with ATM-related conditions. ClinVar contains an entry for this variant (Variation ID: 481357). An algorithm developed to predict the effect of missense changes on protein structure and function (PolyPhen-2) suggests that this variant is likely to be disruptive. In summary, the available evidence is currently insufficient to determine the role of this variant in disease. Therefore, it has been classified as a Variant of Uncertain Significance.

Ambry Genetics
Classification: Uncertain significance for Hereditary cancer-predisposing syndrome. Last evaluated: 2023-08-05. Review status: criteria provided, single submitter. Criteria: Ambry Variant Classification Scheme 2023. Collection method: clinical testing. Allele origin: germline.
Comment: The p.Y2360C variant (also known as c.7079A>G), located in coding exon 47 of the ATM gene, results from an A to G substitution at nucleotide position 7079. The tyrosine at codon 2360 is replaced by cysteine, an amino acid with highly dissimilar properties. This amino acid position is highly conserved in available vertebrate species. In addition, this alteration is predicted to be deleterious by in silico analysis. Since supporting evidence is limited at this time, the clinical significance of this alteration remains unclear.